The following is an entry in ClinVar:

ClinVar aggregate classification (germline): Pathogenic (1 of 4 stars; one submission).

Submission:

Labcorp Genetics (formerly Invitae), Labcorp
Classification: Pathogenic. Last evaluated: 2023-01-28. Review status: criteria provided, single submitter. Criteria: Invitae Variant Classification Sherloc (09022015). Collection method: clinical testing. Allele origin: germline.
Comment: This sequence change creates a premature translational stop signal (p.Gln1995*) in the ADGRV1 gene. It is expected to result in an absent or disrupted protein product. Loss-of-function variants in ADGRV1 are known to be pathogenic (PMID: 19357117, 22135276, 22147658, 26226137, 30718709, 31047384, 32467589). This variant is not present in population databases (gnomAD no frequency). For these reasons, this variant has been classified as Pathogenic. This variant has not been reported in the literature in individuals affected with ADGRV1-related conditions.

Literature cited by the submitters: PubMed 19357117; PubMed 22135276; PubMed 22147658; PubMed 26226137; PubMed 30718709; PubMed 31047384; PubMed 32467589.

NM_032119.4(ADGRV1):c.5983C>T (p.Gln1995Ter)

Gene: ADGRV1 (adhesion G protein-coupled receptor V1; plus strand). Cytogenetic location: 5q14.3.
Variant type: single nucleotide variant.
Coding change: c.5983C>T on transcript NM_032119.4 (MANE Select); coding-DNA position 5983, C replaced by T.
Protein change: p.Gln1995Ter; replaces glutamine 1995 with a stop codon.
Molecular consequence: nonsense. On other transcripts: non-coding transcript variant (1).
Genome position (GRCh38, 1-based): chr5:90,683,904, C>T. VCF-style: chr5-90683904-C-T. GRCh37 (hg19) VCF-style: chr5-89979721-C-T.
Other names: short protein forms Q1995*.
Identifiers: ClinVar variation 2832405 (VCV002832405.3), dbSNP rs2530823306, ClinGen allele CA360413878.